The following is an entry in ClinVar:

NM_033056.4(PCDH15):c.5636C>A (p.Pro1879Gln)

Gene: PCDH15 (protocadherin related 15; minus strand). Cytogenetic location: 10q21.1.
Variant type: single nucleotide variant.
Coding change: c.5636C>A on transcript NM_033056.4 (MANE Plus Clinical); coding-DNA position 5636, C replaced by A.
Protein change: p.Pro1879Gln; replaces proline 1879 with glutamine.
Molecular consequence: missense variant. On other transcripts: intron variant (8).
Genome position (GRCh38, 1-based): chr10:53,822,090, G>T on the plus strand (C>A on the coding strand, the complement: PCDH15 is on the minus strand). VCF-style: chr10-53822090-G-T. GRCh37 (hg19) VCF-style: chr10-55581850-G-T.
Other names: c.5657C>A, p.Pro1886Gln (NM_001142763.2); c.5642C>A, p.Pro1881Gln (NM_001142764.2); c.5429C>A, p.Pro1810Gln (NM_001142765.2); c.5627C>A, p.Pro1876Gln (NM_001142766.2); c.5516C>A, p.Pro1839Gln (NM_001142767.2); c.5576C>A, p.Pro1859Gln (NM_001142768.2); c.5567C>A, p.Pro1856Gln (NM_001142773.2); c.5570C>A, p.Pro1857Gln (NM_001354404.2); and 7 more; short protein forms P1856Q, P1881Q, P1859Q, P1876Q, P1879Q, P1857Q, P1810Q, P1839Q.
Identifiers: ClinVar variation 1985114 (VCV001985114.1), dbSNP rs1338012767, ClinGen allele CA376524549.
Genomic context (GRCh38, chr10:53,822,090, plus strand): 5'-ATGTTAGCTACTGATTTTTCAAGTTCTGCTAAGTTTTTAACGTGTCTGAGGATGCCTTTT[G>T]GTTCTCTCTGAGGGTCTGTTTTACACACTGTCGTTGTTGATAGCTGTGTCATAGAGGACT-3'
Protein context (NP_149045.3, residues 1869-1889): TVCKTDPQRE[Pro1879Gln]KGILRHVKNL

ClinVar aggregate classification (germline): Uncertain significance (1 of 4 stars; one submission).

Allele frequency attached by ClinVar (database versions not stated): TOPMed 0.00001.
gnomAD v4.1: 12 of 1,613,788 alleles (0.00074%); highest among the groups gnomAD compares: African/African-American, 0.0027%; no homozygotes.

Submission:

Labcorp Genetics (formerly Invitae), Labcorp
Classification: Uncertain significance. Last evaluated: 2022-04-04. Review status: criteria provided, single submitter. Criteria: Invitae Variant Classification Sherloc (09022015). Collection method: clinical testing. Allele origin: germline.
Comment: This sequence change replaces proline, which is neutral and non-polar, with glutamine, which is neutral and polar, at codon 1879 of the PCDH15 protein (p.Pro1879Gln). This variant is present in population databases (no rsID available, gnomAD 0.01%). This variant has not been reported in the literature in individuals affected with PCDH15-related conditions. Algorithms developed to predict the effect of missense changes on protein structure and function output the following: SIFT: "Tolerated"; PolyPhen-2: "Not Available"; Align-GVGD: "Class C0". The glutamine amino acid residue is found in multiple mammalian species, which suggests that this missense change does not adversely affect protein function. In summary, the available evidence is currently insufficient to determine the role of this variant in disease. Therefore, it has been classified as a Variant of Uncertain Significance.